The following is an entry in ClinVar:

ClinVar aggregate classification (germline): Likely pathogenic (1 of 4 stars; one submission).

Conditions:
Primary ciliary dyskinesia 13. Also called: CILIARY DYSKINESIA, PRIMARY, 13, WITH OR WITHOUT SITUS INVERSUS. Identifiers: Orphanet 244, MedGen C2750790, MONDO:0013174, OMIM 613193.

Submission:

First Genomix Gene Laboratory, Genetic Diagnostics Department
Classification: Likely pathogenic for Primary ciliary dyskinesia 13. Last evaluated: 2025-01-08. Review status: criteria provided, single submitter. Criteria: ACMG Guidelines, 2015. Collection method: clinical testing. Allele origin: germline. Inheritance: Autosomal recessive inheritance. Affected: no. Observed: 1 variant allele.

NM_178452.6(DNAAF1):c.1416_1417del (p.Leu473fs)

Gene: DNAAF1 (dynein axonemal assembly factor 1; plus strand). Cytogenetic location: 16q24.1.
Variant type: Deletion.
Coding change: c.1416_1417del on transcript NM_178452.6 (MANE Select); coding-DNA positions 1416 to 1417, 2 bases deleted (CC; older notation c.1416_1417delCC).
Protein change: p.Leu473fs; shifts the reading frame from leucine 473.
Molecular consequence: frameshift variant.
Genome position (GRCh38, 1-based): chr16:84,170,244-84,170,245, CC deleted; deleting any 2 consecutive bases within chr16:84,170,243-84,170,245 gives the same sequence; the c. name uses the placement nearest the transcript's 3' end. VCF-style (leftmost placement, unchanged base first): chr16-84170242-ACC-A. GRCh37 (hg19) VCF-style: chr16-84203848-ACC-A.
Other names: c.708_709del, p.Leu237fs (NM_001318756.1); c.1416_1417delCC (NM_178452.6); short protein forms L237fs, L473fs.
Identifiers: ClinVar variation 4845745 (VCV004845745.1).
Genomic context (GRCh38, chr16:84,170,242, plus strand): 5'-CCTGTGGAGGTTAAAGGAGAGGATGGAGATCAAGAGCCAGAGGGGACCCTCCCAGCTGAG[ACC>A]CTGCTACTGTCACCGCCTGTGAAGGTTAAAGGAGAGGATGGAGATCGAGAGCCAGAGGGG-3'